The following is an entry in ClinVar:

ClinVar aggregate classification (germline): Uncertain significance (1 of 4 stars; one submission).

Conditions:
Inborn genetic diseases. Identifiers: MedGen C0950123, MeSH D030342.

Submission:

Ambry Genetics
Classification: Uncertain significance for Inborn genetic diseases. Last evaluated: 2026-05-21. Review status: criteria provided, single submitter. Criteria: Ambry Variant Classification Scheme 2023. Collection method: clinical testing. Allele origin: germline.
Comment: The p.G498C variant (also known as c.1492G>T), located in coding exon 8 of the MECOM gene, results from a G to T substitution at nucleotide position 1492. The glycine at codon 498 is replaced by cysteine, an amino acid with highly dissimilar properties. This amino acid position is conserved. In addition, the in silico prediction for this alteration is inconclusive. Based on the available evidence, the clinical significance of this variant remains unclear.

NM_004991.4(MECOM):c.1492G>T (p.Gly498Cys)

Gene: MECOM (MDS1 and EVI1 complex locus; minus strand). Cytogenetic location: 3q26.2.
Variant type: single nucleotide variant.
Coding change: c.1492G>T on transcript NM_004991.4 (MANE Select); coding-DNA position 1492, G replaced by T.
Protein change: p.Gly498Cys; replaces glycine 498 with cysteine.
Molecular consequence: missense variant. On other transcripts: intron variant (2).
Genome position (GRCh38, 1-based): chr3:169,116,380, C>A on the plus strand (G>T on the coding strand, the complement: MECOM is on the minus strand). VCF-style: chr3-169116380-C-A. GRCh37 (hg19) VCF-style: chr3-168834168-C-A.
Other names: c.1123G>T, p.Gly375Cys (NM_001105077.4); c.928G>T, p.Gly310Cys (NM_001105078.4, NM_001164000.2, NM_001205194.2 and 4 more transcripts); c.931G>T, p.Gly311Cys (NM_001163999.2, NM_001366467.2, NM_001366468.2 and 1 more transcripts); c.1492G>T, p.Gly498Cys (NM_001366466.2); c.1133-613G>T (NM_001366473.2); c.569-613G>T (NM_001366474.2); short protein forms G310C, G311C, G375C, G498C.
Identifiers: ClinVar variation 4859794 (VCV004859794.1).
Genomic context (GRCh38, chr3:169,116,380, plus strand): 5'-TACTTGATAGTCCTTTAACAGGAGAACTAGCAGGTATCAAAGGAGGCCTGTGGTACAAGC[C>A]GGAAGGAAACAGACCAGGGAAGCTAAAAGAAAATCCAGGAGCTGTTGGAAAGGTAAGACC-3'
Protein context (NP_004982.2, residues 488-508): SFSFPGLFPS[Gly498Cys]LYHRPPLIPA